The following is an entry in ClinVar:

NM_001283009.2(RTEL1):c.1111C>T (p.Gln371Ter)

Genes: RTEL1 (regulator of telomere elongation helicase 1; plus strand), RTEL1-TNFRSF6B (RTEL1-TNFRSF6B readthrough (NMD candidate); plus strand). Cytogenetic location: 20q13.33.
Variant type: single nucleotide variant.
Coding change: c.1111C>T on transcript NM_001283009.2 (MANE Select); coding-DNA position 1111, C replaced by T.
Protein change: p.Gln371Ter; replaces glutamine 371 with a stop codon.
Molecular consequence: nonsense. On other transcripts: non-coding transcript variant (1).
Genome position (GRCh38, 1-based): chr20:63,679,922, C>T. VCF-style: chr20-63679922-C-T. GRCh37 (hg19) VCF-style: chr20-62311275-C-T.
Other names: c.442C>T, p.Gln148Ter (NM_001283010.1); c.1111C>T, p.Gln371Ter (NM_016434.4); c.1183C>T, p.Gln395Ter (NM_032957.5); short protein forms Q395*, Q148*, Q371*.
Identifiers: ClinVar variation 2030631 (VCV002030631.4), dbSNP rs1274681944, ClinGen allele CA409673988.

ClinVar aggregate classification (germline): Pathogenic (1 of 4 stars; one submission).

Conditions:
Pulmonary fibrosis and/or bone marrow failure, Telomere-related, 3. Also called: PULMONARY FIBROSIS AND/OR BONE MARROW FAILURE SYNDROME, TELOMERE-RELATED, 3. Identifiers: Orphanet 2032, MedGen C4225346, MONDO:0014613, OMIM 616373.
Dyskeratosis congenita, autosomal recessive 5 (DKCB5). Identifiers: MedGen C3554656, MONDO:0014076, OMIM 615190.

Submission:

Labcorp Genetics (formerly Invitae), Labcorp
Classification: Pathogenic for Dyskeratosis congenita, autosomal recessive 5; Pulmonary fibrosis and/or bone marrow failure, Telomere-related, 3. Last evaluated: 2022-09-26. Review status: criteria provided, single submitter. Criteria: Invitae Variant Classification Sherloc (09022015). Collection method: clinical testing. Allele origin: germline.
Comment: This variant is not present in population databases (gnomAD no frequency). This sequence change creates a premature translational stop signal (p.Gln371*) in the RTEL1 gene. It is expected to result in an absent or disrupted protein product. Loss-of-function variants in RTEL1 are known to be pathogenic (PMID: 23453664, 23959892, 25607374). This variant has not been reported in the literature in individuals affected with RTEL1-related conditions. For these reasons, this variant has been classified as Pathogenic.

Literature cited by the submitters: PubMed 23453664; PubMed 23959892; PubMed 25607374.